The following is an entry in ClinVar:

NM_004006.3(DMD):c.7771del (p.Glu2591fs)

Gene: DMD (dystrophin; minus strand). Cytogenetic location: Xp21.1.
Variant type: Deletion.
Coding change: c.7771del on transcript NM_004006.3 (MANE Select); coding-DNA position 7771, one base deleted (G; older notation c.7771delG).
Protein change: p.Glu2591fs; shifts the reading frame from glutamic acid 2591.
Molecular consequence: frameshift variant.
Genome position (GRCh38, 1-based): chrX:31,679,476, C deleted on the plus strand (G on the coding strand, the reverse complement: DMD is on the minus strand). VCF-style (leftmost placement, unchanged base first): chrX-31679475-TC-T. GRCh37 (hg19) VCF-style: chrX-31697592-TC-T.
Other names: c.7747del, p.Glu2583fs (NM_000109.4); c.7759del, p.Glu2587fs (NM_004009.3); c.7402del, p.Glu2468fs (NM_004010.3); c.3748del, p.Glu1250fs (NM_004011.4); c.3739del, p.Glu1247fs (NM_004012.4); c.391del, p.Glu131fs (NM_004013.3, NM_004020.4, NM_004021.3 and 2 more transcripts); short protein forms E1247fs, E2468fs, E2587fs, E1250fs, E131fs, E2583fs, E2591fs.
Identifiers: ClinVar variation 817757 (VCV000817757.1), dbSNP rs1603445311, ClinGen allele CA915950881.

ClinVar aggregate classification (germline): Pathogenic (1 of 4 stars; one submission).

Submission:

GeneDx
Classification: Pathogenic. Last evaluated: 2018-08-07. Review status: criteria provided, single submitter. Criteria: GeneDx Variant Classification (06012015). Collection method: clinical testing. Allele origin: germline. Affected: yes.
Comment: The c.7771delG pathogenic variant causes a frameshift starting with codon Glutamic acid 2591, changes this amino acid to a Lysine residue and creates a premature Stop codon at position 6 of the new reading frame, denoted p.Glu2591LysfsX6. This pathogenic variant is predicted to cause loss of normal protein function either through protein truncation or nonsense-mediated mRNA decay. The c.7771delG variant is not observed in large population cohorts (Lek et al., 2016). Although this pathogenic variant has not been previously reported to our knowledge, other loss-of-function variants in the DMD gene have been reported in the Human Gene Mutation Database in association with dystrophinopathy (Stenson et al., 2014).